The following is an entry in ClinVar:

ClinVar aggregate classification (germline): Likely benign. Review status: criteria provided, multiple submitters, no conflicts (2 of 4 stars). 2 submissions from 2 submitters: Likely benign (2). Last evaluated 2023-12-19.

Allele frequency attached by ClinVar (database versions not stated): TOPMed 0.00001; gnomAD 0.00003.
gnomAD v4.1: 2 of 1,613,858 alleles (0.00012%); highest among the groups gnomAD compares: East Asian, 0.0022%; no homozygotes.

Submissions (2):

Labcorp Genetics (formerly Invitae), Labcorp
Classification: Likely benign. Last evaluated: 2023-12-19. Review status: criteria provided, single submitter. Criteria: Invitae Variant Classification Sherloc (09022015). Collection method: clinical testing. Allele origin: germline.

CeGaT Center for Human Genetics Tuebingen
Classification: Likely benign. Last evaluated: 2022-05-01. Review status: criteria provided, single submitter. Criteria: CeGaT Center For Human Genetics Tuebingen Variant Classification Criteria Version 2. Collection method: clinical testing. Allele origin: germline. Affected: yes. Observed: 1 variant allele.
Comment: MLC1: PM2:Supporting, BP4, BP7

NM_015166.4(MLC1):c.858C>T (p.Ile286=)

Gene: MLC1 (modulator of VRAC current 1; minus strand). Cytogenetic location: 22q13.33.
Variant type: single nucleotide variant.
Coding change: c.858C>T on transcript NM_015166.4 (MANE Select); coding-DNA position 858, C replaced by T.
Protein change: p.Ile286=; no amino-acid change (isoleucine 286 retained).
Molecular consequence: synonymous variant. On other transcripts: non-coding transcript variant (3).
Genome position (GRCh38, 1-based): chr22:50,068,469, G>A on the plus strand (C>T on the coding strand, the complement: MLC1 is on the minus strand). VCF-style: chr22-50068469-G-A. GRCh37 (hg19) VCF-style: chr22-50506898-G-A.
Other names: c.858C>T, p.Ile286= (NM_001376472.1, NM_001376473.1, NM_001376474.1 and 5 more transcripts); c.801C>T, p.Ile267= (NM_001376479.1); c.768C>T, p.Ile256= (NM_001376480.1); c.756C>T, p.Ile252= (NM_001376481.1); c.702C>T, p.Ile234= (NM_001376482.1, NM_001376483.1); c.621C>T, p.Ile207= (NM_001376484.1).
Identifiers: ClinVar variation 751254 (VCV000751254.34), dbSNP rs140824687, ClinGen allele CA10303339.
Genomic context (GRCh38, chr22:50,068,469, plus strand): 5'-GCTCTGAAATAAAATACAACTCACTTTTATGGCTGGCGGGTAATCCTTAAACATCTCCAC[G>A]ATTCTCATGATGCTGAATGACAGATATCCAGAGGCTGTGAACAGCAGCGGAGACGTGAGG-3'
Protein context (NP_055981.1, residues 276-296): SGYLSFSIMR[Ile286=]VEMFKDYPPA